The following is an entry in ClinVar:

ClinVar aggregate classification (germline): Uncertain significance (1 of 4 stars; one submission).

Submission:

Labcorp Genetics (formerly Invitae), Labcorp
Classification: Uncertain significance. Last evaluated: 2022-08-16. Review status: criteria provided, single submitter. Criteria: Invitae Variant Classification Sherloc (09022015). Collection method: clinical testing. Allele origin: germline.
Comment: This sequence change creates a premature translational stop signal (p.Asp292*) in the TBX15 gene. While this is not anticipated to result in nonsense mediated decay, it is expected to disrupt the last 205 amino acid(s) of the TBX15 protein. In summary, the available evidence is currently insufficient to determine the role of this variant in disease. Therefore, it has been classified as a Variant of Uncertain Significance. Experimental studies and prediction algorithms are not available or were not evaluated, and the functional significance of this variant is currently unknown. ClinVar contains an entry for this variant (Variation ID: 1509713). This variant has not been reported in the literature in individuals affected with TBX15-related conditions. This variant is not present in population databases (gnomAD no frequency).

NM_001330677.2(TBX15):c.1191dup (p.Asp398Ter)

Gene: TBX15 (T-box transcription factor 15; minus strand). Cytogenetic location: 1p12.
Variant type: Duplication.
Coding change: c.1191dup on transcript NM_001330677.2 (MANE Select); coding-DNA position 1191, one base duplicated (T; older notation c.1191dupT).
Protein change: p.Asp398Ter; replaces aspartic acid 398 with a stop codon.
Molecular consequence: nonsense.
Genome position (GRCh38, 1-based): chr1:118,885,350, A duplicated on the plus strand (T on the coding strand, the reverse complement: TBX15 is on the minus strand). VCF-style (leftmost placement, unchanged base first): chr1-118885349-C-CA. GRCh37 (hg19) VCF-style: chr1-119427972-C-CA.
Other names: c.873dup, p.Asp292Ter (NM_152380.3); short protein forms D292*, D398*.
Identifiers: ClinVar variation 1509713 (VCV001509713.6), dbSNP rs2101423838, ClinGen allele CA2573131022.
Genomic context (GRCh38, chr1:118,885,349, plus strand): 5'-CACTCAGCCCTGGGTAGCTCTGCAAGGCAGCCATGTTGCTTCGGGCACATGGTGGATAAT[C>CA]AGAGAGGTTTAGATTACACAGCTGGCTTTCTCGGCAGCCCACATTGAAAGTGTTGGGGGC-3'